The following is an entry in ClinVar:

ClinVar aggregate classification (germline): Uncertain significance (1 of 4 stars; one submission).

Conditions:
Ullrich congenital muscular dystrophy 2 (UCMD2). Identifiers: Orphanet 75840, MedGen C4225314, MONDO:0014654, OMIM 616470.
Bethlem myopathy 2 (BTHLM2). Identifiers: Orphanet 536516, Orphanet 610, MedGen C4225313, MONDO:0034022, OMIM 616471.

gnomAD v4.1: 3 of 1,613,646 alleles (0.00019%); highest among the groups gnomAD compares: Non-Finnish European, 0.00017%; no homozygotes.

Submission:

Labcorp Genetics (formerly Invitae), Labcorp
Classification: Uncertain significance for Bethlem myopathy 2; Ullrich congenital muscular dystrophy 2. Last evaluated: 2020-10-30. Review status: criteria provided, single submitter. Criteria: Invitae Variant Classification Sherloc (09022015). Collection method: clinical testing. Allele origin: germline.
Comment: In summary, the available evidence is currently insufficient to determine the role of this variant in disease. Therefore, it has been classified as a Variant of Uncertain Significance. Algorithms developed to predict the effect of missense changes on protein structure and function are either unavailable or do not agree on the potential impact of this missense change (SIFT: "Deleterious"; PolyPhen-2: "Probably Damaging"; Align-GVGD: "Class C0"). This variant has not been reported in the literature in individuals with COL12A1-related conditions. This variant is not present in population databases (ExAC no frequency). This sequence change replaces proline with serine at codon 2831 of the COL12A1 protein (p.Pro2831Ser). The proline residue is highly conserved and there is a moderate physicochemical difference between proline and serine.

NM_004370.6(COL12A1):c.8491C>T (p.Pro2831Ser)

Gene: COL12A1 (collagen type XII alpha 1 chain; minus strand). Cytogenetic location: 6q13.
Variant type: single nucleotide variant.
Coding change: c.8491C>T on transcript NM_004370.6 (MANE Select); coding-DNA position 8491, C replaced by T.
Protein change: p.Pro2831Ser; replaces proline 2831 with serine.
Molecular consequence: missense variant.
Genome position (GRCh38, 1-based): chr6:75,101,632, G>A on the plus strand (C>T on the coding strand, the complement: COL12A1 is on the minus strand). VCF-style: chr6-75101632-G-A. GRCh37 (hg19) VCF-style: chr6-75811348-G-A.
Other names: c.4999C>T, p.Pro1667Ser (NM_080645.3); short protein forms P2831S, P1667S.
Identifiers: ClinVar variation 1385443 (VCV001385443.8), dbSNP rs2149343047, ClinGen allele CA364738968.